The following is an entry in ClinVar:

ClinVar aggregate classification (germline): Uncertain significance. Review status: criteria provided, multiple submitters, no conflicts (2 of 4 stars). 2 submissions from 2 submitters: Uncertain significance (2). Last evaluated 2025-06-26.

Conditions:
Multiple congenital anomalies-hypotonia-seizures syndrome 1 (MCAHS1). Also called: PIGN-CDG; Congenital disorder of glycosylation due to PIGN deficiency; GLYCOSYLPHOSPHATIDYLINOSITOL BIOSYNTHESIS DEFECT 3. Identifiers: Orphanet 280633, MedGen C3279775, MONDO:0013563, OMIM 614080.

Allele frequency attached by ClinVar (database versions not stated): gnomAD exomes 0.00001 and below 0.00001; ExAC 0.00003.
gnomAD v4.1: 2 of 1,610,808 alleles (0.00012%); highest among the groups gnomAD compares: Admixed American, 0.0033%; no homozygotes.

Submissions (2):

GeneDx
Classification: Uncertain significance. Last evaluated: 2025-06-26. Review status: criteria provided, single submitter. Criteria: GeneDx Variant Classification Process June 2021. Collection method: clinical testing. Allele origin: germline. Affected: yes.
Comment: Not observed at significant frequency in large population cohorts (gnomAD); In silico analysis suggests that this missense variant does not alter protein structure/function; Has not been previously published as pathogenic or benign to our knowledge

Labcorp Genetics (formerly Invitae), Labcorp
Classification: Uncertain significance for Multiple congenital anomalies-hypotonia-seizures syndrome 1. Last evaluated: 2021-08-27. Review status: criteria provided, single submitter. Criteria: Invitae Variant Classification Sherloc (09022015). Collection method: clinical testing. Allele origin: germline.
Comment: This sequence change replaces methionine with threonine at codon 78 of the PIGN protein (p.Met78Thr). The methionine residue is moderately conserved and there is a moderate physicochemical difference between methionine and threonine. This variant is present in population databases (rs748501083, ExAC 0.03%). This variant has not been reported in the literature in individuals affected with PIGN-related conditions. Algorithms developed to predict the effect of missense changes on protein structure and function (SIFT, PolyPhen-2, Align-GVGD) all suggest that this variant is likely to be tolerated. In summary, the available evidence is currently insufficient to determine the role of this variant in disease. Therefore, it has been classified as a Variant of Uncertain Significance.

NM_176787.5(PIGN):c.233T>C (p.Met78Thr)

Gene: PIGN (phosphatidylinositol glycan anchor biosynthesis class N; minus strand). Cytogenetic location: 18q21.33.
Variant type: single nucleotide variant.
Coding change: c.233T>C on transcript NM_176787.5 (MANE Select); coding-DNA position 233, T replaced by C.
Protein change: p.Met78Thr; replaces methionine 78 with threonine.
Molecular consequence: missense variant.
Genome position (GRCh38, 1-based): chr18:62,157,797, A>G on the plus strand (T>C on the coding strand, the complement: PIGN is on the minus strand). VCF-style: chr18-62157797-A-G. GRCh37 (hg19) VCF-style: chr18-59825030-A-G.
Other names: c.233T>C (NM_176787.4); c.233T>C, p.Met78Thr (NM_012327.6); short protein forms M78T.
Identifiers: ClinVar variation 1516105 (VCV001516105.6), dbSNP rs748501083, ClinGen allele CA8982627.